The following is an entry in ClinVar:

NM_000238.4(KCNH2):c.3102_3103dup (p.Arg1035fs)

Gene: KCNH2 (potassium voltage-gated channel subfamily H member 2; minus strand). Cytogenetic location: 7q36.1.
Variant type: Duplication.
Coding change: c.3102_3103dup on transcript NM_000238.4 (MANE Select); coding-DNA positions 3102 to 3103, 2 bases duplicated (CC; older notation c.3102_3103dupCC).
Protein change: p.Arg1035fs; shifts the reading frame from arginine 1035.
Molecular consequence: frameshift variant. On other transcripts: non-coding transcript variant (2).
Genome position (GRCh38, 1-based): chr7:150,947,377-150,947,378, GG duplicated on the plus strand (CC on the coding strand, the reverse complement: KCNH2 is on the minus strand); duplicating any 2 consecutive bases within chr7:150,947,377-150,947,380 gives the same sequence; the c. name uses the placement nearest the transcript's 3' end. VCF-style (leftmost placement, unchanged base first): chr7-150947376-C-CGG. GRCh37 (hg19) VCF-style: chr7-150644464-C-CGG.
Other names: c.2814_2815dup, p.Arg939fs (NM_001406753.1); c.2082_2083dup, p.Arg695fs (NM_172057.3); short protein forms R1035fs, R695fs, R939fs.
Identifiers: ClinVar variation 4881646 (VCV004881646.2).

ClinVar aggregate classification (germline): Pathogenic (1 of 4 stars; one submission).

Submission:

Dasa
Classification: Pathogenic. Last evaluated: 2024-05-23. Review status: criteria provided, single submitter. Criteria: DASA Assertion Criteria. Collection method: clinical testing. Allele origin: germline.
Comment: NM_000238.4(KCNH2):c.3102_3103dup (p.Arg1035Profs*23) is a frameshift variant in KCNH2 predicted to alter the reading frame and introduce a premature termination codon and is predicted to result in an absent or altered protein product. Loss of function is an established disease mechanism for KCNH2 (PMID: 18774102; PMID: 24530480). This variant has been reported in individuals with KCNH2-related disorders (PMID: 30530868). Also, this variant is absent from population databases. Based on the currently available evidence, this variant is classified as pathogenic.

Literature cited by the submitters: PubMed 30530868; PubMed 18774102; PubMed 24530480.